The following is an entry in ClinVar:

NM_017534.6(MYH2):c.4048C>T (p.Arg1350Trp)

Genes: MYHAS (myosin heavy chain gene cluster antisense RNA; plus strand), MYH2 (myosin heavy chain 2; minus strand). Cytogenetic location: 17p13.1.
Variant type: single nucleotide variant.
Coding change: c.4048C>T on transcript NM_017534.6 (MANE Select); coding-DNA position 4048, C replaced by T.
Protein change: p.Arg1350Trp; replaces arginine 1350 with tryptophan.
Molecular consequence: missense variant.
Genome position (GRCh38, 1-based): chr17:10,526,738, G>A on the plus strand (C>T on the coding strand, the complement: MYH2 is on the minus strand). VCF-style: chr17-10526738-G-A. GRCh37 (hg19) VCF-style: chr17-10430055-G-A.
Other names: c.4048C>T, p.Arg1350Trp (NM_001100112.2); short protein forms R1350W.
Identifiers: ClinVar variation 645050 (VCV000645050.12), dbSNP rs776018379, ClinGen allele CA8390737.
Genomic context (GRCh38, chr17:10,526,738, plus strand): 5'-CCTTGGACAGTGCTCTCTGCAGCTCGGCCTTGGATTCCTGCTCCTCCTCATACTGTTCCC[G>A]CAGCAGGTCACAGTCGTGGCGGGAAGACTGCAGGGCATGCGCCAGGGCGTTCTTGGCCTA-3'
Protein context (NP_060004.3, residues 1340-1360): QSSRHDCDLL[Arg1350Trp]EQYEEEQESK

ClinVar aggregate classification (germline): Uncertain significance. Review status: criteria provided, multiple submitters, no conflicts (2 of 4 stars). 3 submissions from 3 submitters: Uncertain significance (3). Last evaluated 2024-11-24.

Conditions:
Inborn genetic diseases. Identifiers: MedGen C0950123, MeSH D030342.
Myopathy, proximal, and ophthalmoplegia (CMYO6). Also called: MYOPATHY WITH CONGENITAL JOINT CONTRACTURES, OPHTHALMOPLEGIA, AND RIMMED VACUOLES; INCLUSION BODY MYOPATHY 3, AUTOSOMAL DOMINANT; CONGENITAL MYOPATHY 6 WITH OPHTHALMOPLEGIA. Identifiers: Orphanet 363677, Orphanet 79091, MedGen C1854106, MONDO:0011577, OMIM 605637.

Allele frequency attached by ClinVar (database versions not stated): gnomAD exomes below 0.00001 and 0.00001; ExAC 0.00001.
gnomAD v4.1: 11 of 1,614,218 alleles (0.00068%); highest among the groups gnomAD compares: African/African-American, 0.004%; no homozygotes.

Submissions (3):

Ambry Genetics
Classification: Uncertain significance for Inborn genetic diseases. Last evaluated: 2024-11-24. Review status: criteria provided, single submitter. Criteria: Ambry Variant Classification Scheme 2023. Collection method: clinical testing. Allele origin: germline.

Labcorp Genetics (formerly Invitae), Labcorp
Classification: Uncertain significance for Myopathy, proximal, and ophthalmoplegia. Last evaluated: 2019-08-19. Review status: criteria provided, single submitter. Criteria: Invitae Variant Classification Sherloc (09022015). Collection method: clinical testing. Allele origin: germline.
Comment: This sequence change replaces arginine with tryptophan at codon 1350 of the MYH2 protein (p.Arg1350Trp). The arginine residue is highly conserved and there is a moderate physicochemical difference between arginine and tryptophan. This variant is present in population databases (rs776018379, ExAC 0.01%). This variant has not been reported in the literature in individuals with MYH2-related disease. Algorithms developed to predict the effect of missense changes on protein structure and function are either unavailable or do not agree on the potential impact of this missense change (SIFT: "Deleterious"; PolyPhen-2: "Probably Damaging"; Align-GVGD: "Class C0"). In summary, the available evidence is currently insufficient to determine the role of this variant in disease. Therefore, it has been classified as a Variant of Uncertain Significance.

Illumina Laboratory Services, Illumina
Classification: Uncertain significance for Myopathy, proximal, and ophthalmoplegia. Last evaluated: 2018-01-13. Review status: criteria provided, single submitter. Criteria: ICSL Variant Classification Criteria 13 December 2019. Collection method: clinical testing. Allele origin: germline.